The following is an entry in ClinVar:

ClinVar aggregate classification (germline): Likely pathogenic (1 of 4 stars; one submission).

Conditions:
Peutz-Jeghers syndrome (PJS). Also called: Periorificial lentiginosis syndrome; Peutz-Jeghers polyposis; POLYPOSIS, HAMARTOMATOUS INTESTINAL; POLYPS-AND-SPOTS SYNDROME. Identifiers: Orphanet 2869, MedGen C0031269, MeSH D010580, MONDO:0008280, OMIM 175200.

Submission:

Women's Health and Genetics/Laboratory Corporation of America, LabCorp
Classification: Likely pathogenic for Peutz-Jeghers syndrome. Last evaluated: 2016-11-18. Review status: criteria provided, single submitter. Criteria: LabCorp Variant Classification Summary - May 2015. Collection method: clinical testing. Allele origin: germline.
Comment: Variant summary: The STK11 c.851delA (p.Asp284Alafs) variant results in a premature termination codon, predicted to cause a truncated or absent STK11 protein due to nonsense mediated decay, which are commonly known mechanisms for disease. Mutation taster predicts a damaging outcome for this variant. This variant is absent in 90032 control chromosomes. The variant of interest has not, to our knowledge, been reported in affected individuals via publications and/or reputable databases/clinical diagnostic laboratories; nor evaluated for functional impact by in vivo/vitro studies. Taken together, this variant is classified as likely pathogenic.

NM_000455.5(STK11):c.851del (p.Asp284fs)

Gene: STK11 (serine/threonine kinase 11; plus strand). Cytogenetic location: 19p13.3.
Variant type: Deletion.
Coding change: c.851del on transcript NM_000455.5 (MANE Select); coding-DNA position 851, one base deleted (A; older notation c.851delA).
Protein change: p.Asp284fs; shifts the reading frame from aspartic acid 284.
Molecular consequence: frameshift variant.
Genome position (GRCh38, 1-based): chr19:1,221,329, A deleted. VCF-style (leftmost placement, unchanged base first): chr19-1221328-GA-G. GRCh37 (hg19) VCF-style: chr19-1221327-GA-G.
Other names: c.851delA (NM_000455.4); short protein forms D284fs.
Identifiers: ClinVar variation 495871 (VCV000495871.1), dbSNP rs1555738723, ClinGen allele CA658684212.